The following is an entry in ClinVar:

NM_001005242.3(PKP2):c.259G>A (p.Val87Ile)

Gene: PKP2 (plakophilin 2; minus strand). Cytogenetic location: 12p11.21.
Variant type: single nucleotide variant.
Coding change: c.259G>A on transcript NM_001005242.3 (MANE Select); coding-DNA position 259, G replaced by A.
Protein change: p.Val87Ile; replaces valine 87 with isoleucine.
Molecular consequence: missense variant. On other transcripts: 5 prime UTR variant (4).
Genome position (GRCh38, 1-based): chr12:32,878,997, C>T on the plus strand (G>A on the coding strand, the complement: PKP2 is on the minus strand). VCF-style: chr12-32878997-C-T. GRCh37 (hg19) VCF-style: chr12-33031931-C-T.
Other names: c.259G>A, p.Val87Ile (NM_001407155.1, NM_001407156.1, NM_001407157.1 and 2 more transcripts); c.-69G>A (NM_001407158.1, NM_001407159.1, NM_001407160.1 and 1 more transcripts); short protein forms V87I.
Identifiers: ClinVar variation 4689926 (VCV004689926.1).

ClinVar aggregate classification (germline): Uncertain significance (1 of 4 stars; one submission).

Submission:

GeneDx
Classification: Uncertain significance. Last evaluated: 2025-07-28. Review status: criteria provided, single submitter. Criteria: GeneDx Variant Classification Process June 2021. Collection method: clinical testing. Allele origin: germline. Affected: yes.
Comment: Not observed at significant frequency in large population cohorts (gnomAD); In silico analysis suggests that this missense variant does not alter protein structure/function; Has not been previously published as pathogenic or benign to our knowledge